The following is an entry in ClinVar:

ClinVar aggregate classification (germline): Uncertain significance (1 of 4 stars; one submission).

gnomAD v4.1: 1 of 1,544,858 alleles (0.000065%); highest among the groups gnomAD compares: Admixed American, 0.002%; no homozygotes.

Submission:

Labcorp Genetics (formerly Invitae), Labcorp
Classification: Uncertain significance. Last evaluated: 2022-02-21. Review status: criteria provided, single submitter. Criteria: Invitae Variant Classification Sherloc (09022015). Collection method: clinical testing. Allele origin: germline.
Comment: This variant has not been reported in the literature in individuals affected with EPOR-related conditions. This variant is present in population databases (no rsID available, gnomAD 0.004%). This sequence change replaces leucine, which is neutral and non-polar, with phenylalanine, which is neutral and non-polar, at codon 4 of the EPOR protein (p.Leu4Phe). Algorithms developed to predict the effect of missense changes on protein structure and function output the following: SIFT: "Tolerated"; PolyPhen-2: "Benign"; Align-GVGD: "Class C0". The phenylalanine amino acid residue is found in multiple mammalian species, which suggests that this missense change does not adversely affect protein function. In summary, the available evidence is currently insufficient to determine the role of this variant in disease. Therefore, it has been classified as a Variant of Uncertain Significance.

NM_000121.4(EPOR):c.10C>T (p.Leu4Phe)

Gene: EPOR (erythropoietin receptor; minus strand). Cytogenetic location: 19p13.2.
Variant type: single nucleotide variant.
Coding change: c.10C>T on transcript NM_000121.4 (MANE Select); coding-DNA position 10, C replaced by T.
Protein change: p.Leu4Phe; replaces leucine 4 with phenylalanine.
Molecular consequence: missense variant. On other transcripts: non-coding transcript variant (1).
Genome position (GRCh38, 1-based): chr19:11,384,198, G>A on the plus strand (C>T on the coding strand, the complement: EPOR is on the minus strand). VCF-style: chr19-11384198-G-A. GRCh37 (hg19) VCF-style: chr19-11494874-G-A.
Other names: short protein forms L4F.
Identifiers: ClinVar variation 1954288 (VCV001954288.5), dbSNP rs1239516139, ClinGen allele CA404133884.